The following is an entry in ClinVar:

ClinVar aggregate classification (germline): Benign/Likely benign. Review status: criteria provided, multiple submitters, no conflicts (2 of 4 stars). 3 submissions from 3 submitters: Benign (1); Likely benign (2). Last evaluated 2026-01-28.

Allele frequency attached by ClinVar (database versions not stated): 1000 Genomes Project 30x 0.00016; 1000 Genomes Project 0.00020; ExAC 0.00099; gnomAD exomes 0.00104 and 0.00209; gnomAD 0.00117 and 0.00122; TOPMed 0.00134; ESP Exome Variant Server 0.00177.

Submissions (3):

Labcorp Genetics (formerly Invitae), Labcorp
Classification: Benign. Last evaluated: 2026-01-28. Review status: criteria provided, single submitter. Criteria: Invitae Variant Classification Sherloc (09022015). Collection method: clinical testing. Allele origin: germline.

Blueprint Genetics
Classification: Likely benign. Last evaluated: 2024-11-22. Review status: criteria provided, single submitter. Criteria: ACMG Guidelines, 2015. Collection method: clinical testing. Allele origin: germline.

CeGaT Center for Human Genetics Tuebingen
Classification: Likely benign. Last evaluated: 2022-06-01. Review status: criteria provided, single submitter. Criteria: CeGaT Center For Human Genetics Tuebingen Variant Classification Criteria Version 2. Collection method: clinical testing. Allele origin: germline. Affected: yes. Observed: 1 variant allele.
Comment: TSHR: BP4, BP7

NM_000369.5(TSHR):c.2007T>C (p.Leu669=)

Genes: TSHR (thyroid stimulating hormone receptor; plus strand), TSHR-AS1 (TSHR antisense RNA 1; minus strand). Cytogenetic location: 14q31.1.
Variant type: single nucleotide variant.
Coding change: c.2007T>C on transcript NM_000369.5 (MANE Select); coding-DNA position 2007, T replaced by C.
Protein change: p.Leu669=; no amino-acid change (leucine 669 retained).
Molecular consequence: synonymous variant.
Genome position (GRCh38, 1-based): chr14:81,144,065, T>C. VCF-style: chr14-81144065-T-C. GRCh37 (hg19) VCF-style: chr14-81610409-T-C.
Identifiers: ClinVar variation 702438 (VCV000702438.32), dbSNP rs148214091, ClinGen allele CA7294560.
Genomic context (GRCh38, chr14:81,144,065, plus strand): 5'-GAACAAGCCTCTCATCACTGTTAGCAACTCCAAAATCTTGCTGGTACTCTTCTATCCACT[T>C]AACTCCTGTGCCAATCCATTCCTCTATGCTATTTTCACCAAGGCCTTCCAGAGGGATGTG-3'
Protein context (NP_000360.2, residues 659-679): SKILLVLFYP[Leu669=]NSCANPFLYA